The following is an entry in ClinVar:

NM_000487.6(ARSA):c.823G>A (p.Glu275Lys)

Gene: ARSA (arylsulfatase A; minus strand). Cytogenetic location: 22q13.33.
Variant type: single nucleotide variant.
Coding change: c.823G>A on transcript NM_000487.6 (MANE Select); coding-DNA position 823, G replaced by A.
Protein change: p.Glu275Lys; replaces glutamic acid 275 with lysine.
Molecular consequence: missense variant.
Genome position (GRCh38, 1-based): chr22:50,626,622, C>T on the plus strand (G>A on the coding strand, the complement: ARSA is on the minus strand). VCF-style: chr22-50626622-C-T. GRCh37 (hg19) VCF-style: chr22-51065050-C-T.
Other names: c.823G>A (NM_000487.5); c.823G>A, p.Glu275Lys (NM_001085425.3, NM_001085426.3, NM_001085427.3); c.565G>A, p.Glu189Lys (NM_001085428.3, NM_001362782.2); short protein forms E275K, E189K.
Identifiers: ClinVar variation 2080844 (VCV002080844.2), dbSNP rs367602734, ClinGen allele CA10324917.

ClinVar aggregate classification (germline): Uncertain significance. Review status: criteria provided, multiple submitters, no conflicts (2 of 4 stars). 2 submissions from 2 submitters: Uncertain significance (2). Last evaluated 2025-12-04.

Conditions:
Inborn genetic diseases. Identifiers: MedGen C0950123, MeSH D030342.
Metachromatic leukodystrophy (MLD). Also called: SULFATIDE LIPIDOSIS; Cerebral sclerosis diffuse metachromatic form; ARSA DEFICIENCY; CEREBROSIDE SULFATASE DEFICIENCY; Arylsulfatase A Deficiency; METACHROMATIC LEUKOENCEPHALOPATHY. Identifiers: Orphanet 512, MedGen C0023522, MONDO:0018868, OMIM 250100.

Allele frequency attached by ClinVar (database versions not stated): gnomAD exomes 0.00001; ExAC 0.00002; gnomAD 0.00006; TOPMed 0.00007; ESP Exome Variant Server 0.00008.

Submissions (2):

Ambry Genetics
Classification: Uncertain significance for Inborn genetic diseases. Last evaluated: 2025-12-04. Review status: criteria provided, single submitter. Criteria: Ambry Variant Classification Scheme 2023. Collection method: clinical testing. Allele origin: germline.

Labcorp Genetics (formerly Invitae), Labcorp
Classification: Uncertain significance for Metachromatic leukodystrophy. Last evaluated: 2022-08-01. Review status: criteria provided, single submitter. Criteria: Invitae Variant Classification Sherloc (09022015). Collection method: clinical testing. Allele origin: germline.
Comment: This sequence change replaces glutamic acid, which is acidic and polar, with lysine, which is basic and polar, at codon 275 of the ARSA protein (p.Glu275Lys). This variant is present in population databases (rs367602734, gnomAD 0.02%). This variant has not been reported in the literature in individuals affected with ARSA-related conditions. Algorithms developed to predict the effect of missense changes on protein structure and function (SIFT, PolyPhen-2, Align-GVGD) all suggest that this variant is likely to be tolerated. In summary, the available evidence is currently insufficient to determine the role of this variant in disease. Therefore, it has been classified as a Variant of Uncertain Significance.